The following is an entry in ClinVar:

ClinVar aggregate classification (germline): Conflicting classifications of pathogenicity. Review status: criteria provided, conflicting classifications (1 of 4 stars). 3 submissions from 3 submitters: Uncertain significance (1); Likely benign (2). Last evaluated 2025-11-26.

Allele frequency attached by ClinVar (database versions not stated): ExAC 0.00001; gnomAD exomes 0.00005; TOPMed 0.00005; gnomAD 0.00007; ESP Exome Variant Server 0.00008.

Submissions (3):

Labcorp Genetics (formerly Invitae), Labcorp
Classification: Uncertain significance. Last evaluated: 2025-11-26. Review status: criteria provided, single submitter. Criteria: Invitae Variant Classification Sherloc (09022015). Collection method: clinical testing. Allele origin: germline.
Comment: This sequence change replaces leucine, which is neutral and non-polar, with proline, which is neutral and non-polar, at codon 578 of the KIF22 protein (p.Leu578Pro). This variant is present in population databases (rs370133905, gnomAD 0.006%). This variant has not been reported in the literature in individuals affected with KIF22-related conditions. ClinVar contains an entry for this variant (Variation ID: 2181724). An algorithm developed to predict the effect of missense changes on protein structure and function outputs the following: PolyPhen-2: "Benign". The proline amino acid residue is found in multiple mammalian species, which suggests that this missense change does not adversely affect protein function. In summary, the available evidence is currently insufficient to determine the role of this variant in disease. Therefore, it has been classified as a Variant of Uncertain Significance.

Laboratory of Genetics, Children's Clinical University Hospital Latvia
Classification: Likely benign. Last evaluated: 2025-02-16. Review status: criteria provided, single submitter. Criteria: ACMG Guidelines, 2015. Collection method: clinical testing. Allele origin: germline. Affected: yes.

Blueprint Genetics
Classification: Likely benign. Last evaluated: 2024-11-13. Review status: criteria provided, single submitter. Criteria: ACMG Guidelines, 2015. Collection method: clinical testing. Allele origin: germline.

NM_007317.3(KIF22):c.1733T>C (p.Leu578Pro)

Gene: KIF22 (kinesin family member 22; plus strand). Cytogenetic location: 16p11.2.
Variant type: single nucleotide variant.
Coding change: c.1733T>C on transcript NM_007317.3 (MANE Select); coding-DNA position 1733, T replaced by C.
Protein change: p.Leu578Pro; replaces leucine 578 with proline.
Molecular consequence: missense variant.
Genome position (GRCh38, 1-based): chr16:29,804,869, T>C. VCF-style: chr16-29804869-T-C. GRCh37 (hg19) VCF-style: chr16-29816190-T-C.
Other names: c.1529T>C, p.Leu510Pro (NM_001256269.2, NM_001256270.1); short protein forms L578P, L510P.
Identifiers: ClinVar variation 2181724 (VCV002181724.6), dbSNP rs370133905, ClinGen allele CA7993426.
Genomic context (GRCh38, chr16:29,804,869, plus strand): 5'-CCCAGCTGGAGTCCCTGGATGCCCTAGAGCCTGAGGAGAAGGCTGAGGACTGCTGGGAGC[T>C]ACAGATCAGCCCGGAGCTACTGGCTCATGGGCGCCAAAAAATACTGGATCTGCTGAACGA-3'
Protein context (NP_015556.1, residues 568-588): PEEKAEDCWE[Leu578Pro]QISPELLAHG